The following is an entry in ClinVar:

ClinVar aggregate classification (germline): Pathogenic (1 of 4 stars; one submission).

Conditions:
VPS13A-related neurodegenerative disease. Also called: ACANTHOCYTOSIS WITH NEUROLOGIC DISORDER; LEVINE-CRITCHLEY SYNDROME; Choreoacanthocytosis; Chorea-acanthocytosis; Choreaacanthocytosis; VPS13A Disease. Identifiers: Orphanet 2388, MedGen C0393576, MONDO:0008695, OMIM 200150.

Submission:

Myriad Genetics, Inc.
Classification: Pathogenic for VPS13A-related neurodegenerative disease. Last evaluated: 2024-05-14. Review status: criteria provided, single submitter. Criteria: Myriad Autosomal Dominant, Autosomal Recessive and X-Linked Classification Criteria (2023). Collection method: clinical testing. Allele origin: unknown.
Comment: NM_033305.2(VPS13A):c.6804dupG(S2269Vfs*7) is expected to be pathogenic in the context of VPS13A disease. This variant is predicted to lead to an abnormal or absent protein product due to the creation of a premature termination codon in VPS13A, a gene where loss-of-function variants are known to be pathogenic. Please note: this variant was assessed in the context of healthy population screening.

NM_033305.3(VPS13A):c.6804dup (p.Ser2269fs)

Gene: VPS13A (vacuolar protein sorting 13 homolog A; plus strand). Cytogenetic location: 9q21.2.
Variant type: Duplication.
Coding change: c.6804dup on transcript NM_033305.3 (MANE Select); coding-DNA position 6804, one base duplicated (G; older notation c.6804dupG).
Protein change: p.Ser2269fs; shifts the reading frame from serine 2269.
Molecular consequence: frameshift variant.
Genome position (GRCh38, 1-based): chr9:77,340,207, G duplicated. VCF-style (leftmost placement, unchanged base first): chr9-77340206-T-TG. GRCh37 (hg19) VCF-style: chr9-79955122-T-TG.
Other names: c.6687dup, p.Ser2230fs (NM_001018037.2); c.6804dup, p.Ser2269fs (NM_001018038.3, NM_015186.4); short protein forms S2230fs, S2269fs.
Identifiers: ClinVar variation 5011981 (VCV005011981.1).